The following is an entry in ClinVar:

NM_199420.4(POLQ):c.2909A>G (p.Asn970Ser)

Gene: POLQ (DNA polymerase theta; minus strand). Cytogenetic location: 3q13.33.
Variant type: single nucleotide variant.
Coding change: c.2909A>G on transcript NM_199420.4 (MANE Select); coding-DNA position 2909, A replaced by G.
Protein change: p.Asn970Ser; replaces asparagine 970 with serine.
Molecular consequence: missense variant.
Genome position (GRCh38, 1-based): chr3:121,490,022, T>C on the plus strand (A>G on the coding strand, the complement: POLQ is on the minus strand). VCF-style: chr3-121490022-T-C. GRCh37 (hg19) VCF-style: chr3-121208869-T-C.
Other names: short protein forms N970S.
Identifiers: ClinVar variation 1797541 (VCV001797541.2), dbSNP rs2546788040, ClinGen allele CA354103982.

ClinVar aggregate classification (germline): Uncertain significance (1 of 4 stars; one submission).

Submission:

Ambry Genetics
Classification: Uncertain significance. Last evaluated: 2021-07-01. Review status: criteria provided, single submitter. Criteria: Ambry Variant Classification Scheme 2023. Collection method: clinical testing. Allele origin: germline.
Comment: The p.N970S variant (also known as c.2909A>G), located in coding exon 16 of the POLQ gene, results from an A to G substitution at nucleotide position 2909. The asparagine at codon 970 is replaced by serine, an amino acid with highly similar properties. This amino acid position is conserved. In addition, this alteration is predicted to be tolerated by in silico analysis. Since supporting evidence is limited at this time, the clinical significance of this alteration remains unclear.